The following is an entry in ClinVar:

ClinVar aggregate classification (germline): Uncertain significance (1 of 4 stars; one submission).

Submission:

Labcorp Genetics (formerly Invitae), Labcorp
Classification: Uncertain significance. Last evaluated: 2023-07-07. Review status: criteria provided, single submitter. Criteria: Invitae Variant Classification Sherloc (09022015). Collection method: clinical testing. Allele origin: germline.
Comment: This variant has not been reported in the literature in individuals affected with PCLO-related conditions. This variant is not present in population databases (gnomAD no frequency). This sequence change replaces lysine, which is basic and polar, with glutamic acid, which is acidic and polar, at codon 1476 of the PCLO protein (p.Lys1476Glu). In summary, the available evidence is currently insufficient to determine the role of this variant in disease. Therefore, it has been classified as a Variant of Uncertain Significance. Experimental studies and prediction algorithms are not available or were not evaluated, and the functional significance of this variant is currently unknown. ClinVar contains an entry for this variant (Variation ID: 1482302).

NM_033026.6(PCLO):c.4426A>G (p.Lys1476Glu)

Gene: PCLO (piccolo presynaptic cytomatrix protein; minus strand). Cytogenetic location: 7q21.11.
Variant type: single nucleotide variant.
Coding change: c.4426A>G on transcript NM_033026.6 (MANE Select); coding-DNA position 4426, A replaced by G.
Protein change: p.Lys1476Glu; replaces lysine 1476 with glutamic acid.
Molecular consequence: missense variant.
Genome position (GRCh38, 1-based): chr7:82,956,527, T>C on the plus strand (A>G on the coding strand, the complement: PCLO is on the minus strand). VCF-style: chr7-82956527-T-C. GRCh37 (hg19) VCF-style: chr7-82585843-T-C.
Other names: c.4426A>G, p.Lys1476Glu (NM_014510.3); short protein forms K1476E.
Identifiers: ClinVar variation 1482302 (VCV001482302.6), dbSNP rs2115577409, ClinGen allele CA367926799.
Genomic context (GRCh38, chr7:82,956,527, plus strand): 5'-TCTCTTTATGGTCCTTGCTGGAAGGAATATCTTGTTGGCTATCTTTTTTAAAAGTGTCTT[T>C]CCTTTCTTCTTGACTCTCTTTGATCTCCTCTTCTGAAATAGTAATTTCCAAGGTTTCAGA-3'
Protein context (NP_149015.2, residues 1466-1486): EEIKESQEER[Lys1476Glu]DTFKKDSQQD